The following is an entry in ClinVar:

ClinVar aggregate classification (germline): Uncertain significance. Review status: criteria provided, multiple submitters, no conflicts (2 of 4 stars). 2 submissions from 2 submitters: Uncertain significance (2). Last evaluated 2024-11-12.

Allele frequency attached by ClinVar (database versions not stated): 1000 Genomes Project 30x 0.00016.

Submissions (2):

Blueprint Genetics
Classification: Uncertain significance. Last evaluated: 2024-11-12. Review status: criteria provided, single submitter. Criteria: ACMG Guidelines, 2015. Collection method: clinical testing. Allele origin: germline.

Labcorp Genetics (formerly Invitae), Labcorp
Classification: Uncertain significance. Last evaluated: 2021-09-01. Review status: criteria provided, single submitter. Criteria: Invitae Variant Classification Sherloc (09022015). Collection method: clinical testing. Allele origin: germline.
Comment: This sequence change replaces methionine with arginine at codon 1820 of the USH2A protein (p.Met1820Arg). The methionine residue is weakly conserved and there is a moderate physicochemical difference between methionine and arginine. This variant is present in population databases (rs201643378, ExAC 0.001%). This variant has not been reported in the literature in individuals affected with USH2A-related conditions. Algorithms developed to predict the effect of missense changes on protein structure and function output the following: SIFT: "Tolerated"; PolyPhen-2: "Benign"; Align-GVGD: "Class C0". The arginine amino acid residue is found in multiple mammalian species, which suggests that this missense change does not adversely affect protein function. In summary, the available evidence is currently insufficient to determine the role of this variant in disease. Therefore, it has been classified as a Variant of Uncertain Significance.

NM_206933.4(USH2A):c.5459T>G (p.Met1820Arg)

Genes: USH2A (usherin; minus strand), USH2A-AS2 (USH2A antisense RNA 2; plus strand). Cytogenetic location: 1q41.
Variant type: single nucleotide variant.
Coding change: c.5459T>G on transcript NM_206933.4 (MANE Select); coding-DNA position 5459, T replaced by G.
Protein change: p.Met1820Arg; replaces methionine 1820 with arginine.
Molecular consequence: missense variant.
Genome position (GRCh38, 1-based): chr1:216,078,202, A>C on the plus strand (T>G on the coding strand, the complement: USH2A is on the minus strand). VCF-style: chr1-216078202-A-C. GRCh37 (hg19) VCF-style: chr1-216251544-A-C.
Other names: short protein forms M1820R.
Identifiers: ClinVar variation 2418692 (VCV002418692.4), dbSNP rs201643378, ClinGen allele CA1395447.